The following is an entry in ClinVar:

ClinVar aggregate classification (germline): Likely pathogenic (1 of 4 stars; one submission).

Submission:

GeneDx
Classification: Likely pathogenic. Last evaluated: 2025-04-08. Review status: criteria provided, single submitter. Criteria: GeneDx Variant Classification Process June 2021. Collection method: clinical testing. Allele origin: germline. Affected: yes.
Comment: Not observed at significant frequency in large population cohorts (gnomAD); In silico analysis supports that this missense variant has a deleterious effect on protein structure/function; This variant is associated with the following publications: (PMID: 34329526, 27190017)

NM_001288705.3(CSF1R):c.1990G>A (p.Glu664Lys)

Gene: CSF1R (colony stimulating factor 1 receptor; minus strand). Cytogenetic location: 5q32.
Variant type: single nucleotide variant.
Coding change: c.1990G>A on transcript NM_001288705.3 (MANE Select); coding-DNA position 1990, G replaced by A.
Protein change: p.Glu664Lys; replaces glutamic acid 664 with lysine.
Molecular consequence: missense variant.
Genome position (GRCh38, 1-based): chr5:150,059,842, C>T on the plus strand (G>A on the coding strand, the complement: CSF1R is on the minus strand). VCF-style: chr5-150059842-C-T. GRCh37 (hg19) VCF-style: chr5-149439405-C-T.
Other names: c.1990G>A, p.Glu664Lys (NM_001349736.2, NM_001375320.1, NM_005211.4); c.1546G>A, p.Glu516Lys (NM_001375321.1); short protein forms E516K, E664K.
Identifiers: ClinVar variation 2571852 (VCV002571852.2), dbSNP rs2480967878, ClinGen allele CA361762318.
Genomic context (GRCh38, chr5:150,059,842, plus strand): 5'-CCAGCATGGCCTCAGCCTTCCTTCGCAGAAAGTTGAGCAGGTCGCCATAGCAACAGTACT[C>T]CGTGATGACCAGTACAGGGCCTAGAGCAGCCAAGGGTGTGGGGTGAGGGAGGTGCTGAGT-3'
Protein context (NP_001275634.1, residues 654-674): THGGPVLVIT[Glu664Lys]YCCYGDLLNF